The following is an entry in ClinVar:

NM_001127511.3(APC):c.-184G>C

Genes: APC (APC regulator of Wnt signaling pathway; plus strand), LOC129994371 (ATAC-STARR-seq lymphoblastoid active region 22910; plus strand). Cytogenetic location: 5q22.2.
Variant type: single nucleotide variant.
Coding change: c.-184G>C on transcript NM_001127511.3; 184 bases upstream of the start codon, G replaced by C.
Molecular consequence: 5 prime UTR variant. On other transcripts: non-coding transcript variant (2).
Genome position (GRCh38, 1-based): chr5:112,707,534, G>C. VCF-style: chr5-112707534-G-C. GRCh37 (hg19) VCF-style: chr5-112043231-G-C.
Other names: c.-367G>C (NM_001354895.2, NM_001407447.1, NM_001407452.1 and 3 more transcripts); c.-184G>C (NM_001354897.2, NM_001354902.2, NM_001407446.1); c.-134G>C (NM_001407448.1, NM_001407450.1, NM_001407457.1 and 1 more transcripts); c.-158G>C (NM_001407453.1); c.-1402G>C (NM_001407470.1, NM_001407472.1).
Identifiers: ClinVar variation 469856 (VCV000469856.11), dbSNP rs575784409, ClinGen allele CA124924854.
Genomic context (GRCh38, chr5:112,707,534, plus strand): 5'-GCCAGCAACACCTCTCACGCATGCGCATTGTAGTCTTCCCACCTCCCACAAGATGGCGGA[G>C]GGCAAGTAGCAAGGGGGCGGGGTGTGGCCGCCGGAAGCCTAGCCGCTGCTCGGGGGGGAC-3'

ClinVar aggregate classification (germline): Uncertain significance. Review status: criteria provided, multiple submitters, no conflicts (2 of 4 stars). 3 submissions from 3 submitters: Uncertain significance (3). Last evaluated 2025-10-29.

Conditions:
Hereditary cancer-predisposing syndrome. Also called: Neoplastic Syndromes, Hereditary; Hereditary Cancer Syndrome; Tumor predisposition; Hereditary neoplastic syndrome. Identifiers: Orphanet 140162, MedGen C0027672, MeSH D009386, MONDO:0015356.
Classic or attenuated familial adenomatous polyposis. Identifiers: MedGen CN372698, MONDO:0021057.
Familial adenomatous polyposis 1 (FAP1). Also called: FAMILIAL ADENOMATOUS POLYPOSIS 1, ATTENUATED; POLYPOSIS, ADENOMATOUS INTESTINAL. Identifiers: MedGen C2713442, MONDO:0021056, OMIM 175100. Disease mechanism: loss of function.

Allele frequency attached by ClinVar (database versions not stated): TOPMed 0.00001; gnomAD 0.00001.
gnomAD v4.1: 1 of 497,348 alleles (0.0002%); highest among the groups gnomAD compares: African/African-American, 0.0019%; no homozygotes.

Submissions (3):

Labcorp Genetics (formerly Invitae), Labcorp
Classification: Uncertain significance for Familial adenomatous polyposis 1. Last evaluated: 2025-10-29. Review status: criteria provided, single submitter. Criteria: Invitae Variant Classification Sherloc (09022015). Collection method: clinical testing. Allele origin: germline.
Comment: This variant occurs in a non-coding region of the APC gene. It does not change the encoded amino acid sequence of the APC protein. This variant is not present in population databases (gnomAD no frequency). This variant has not been reported in the literature in individuals affected with APC-related conditions. ClinVar contains an entry for this variant (Variation ID: 469856). Experimental studies and prediction algorithms are not available or were not evaluated, and the functional significance of this variant is currently unknown. In summary, the available evidence is currently insufficient to determine the role of this variant in disease. Therefore, it has been classified as a Variant of Uncertain Significance.

All of Us Research Program, National Institutes of Health
Classification: Uncertain significance for Classic or attenuated familial adenomatous polyposis. Last evaluated: 2024-02-22. Review status: criteria provided, single submitter. Criteria: ACMG Guidelines, 2015. Collection method: clinical testing. Allele origin: germline. Inheritance: Autosomal dominant inheritance. Observed: 1 variant allele, 1 homozygote.
Comment: This variant causes a G to C nucleotide substitution at the -30410 position in the promoter region of the APC gene. To our knowledge, functional studies have not been reported for this variant. This variant has not been reported in individuals affected with APC-related disorders in the literature. This variant has not been identified in the general population by the Genome Aggregation Database (gnomAD). The available evidence is insufficient to determine the role of this variant in disease conclusively. Therefore, this variant is classified as a Variant of Uncertain Significance.

This study involves interpretation of variants in research participants for the purpose of population health screening. Participant phenotype was not available at the time of variant classification. Additional details can be found in publication PMID: 35346344, PMCID: PMC8962531

Color Diagnostics, LLC DBA Color Health
Classification: Uncertain significance for Hereditary cancer-predisposing syndrome. Last evaluated: 2024-02-01. Review status: criteria provided, single submitter. Criteria: ACMG Guidelines, 2015. Collection method: clinical testing. Allele origin: germline.
Comment: This variant causes a G to C nucleotide substitution at the -30410 position in the promoter region of the APC gene. To our knowledge, functional studies have not been reported for this variant. This variant has not been reported in individuals affected with APC-related disorders in the literature. This variant has not been identified in the general population by the Genome Aggregation Database (gnomAD). The available evidence is insufficient to determine the role of this variant in disease conclusively. Therefore, this variant is classified as a Variant of Uncertain Significance.